The following is an entry in ClinVar:

NM_000784.4(CYP27A1):c.735G>T (p.Gly245=)

Gene: CYP27A1 (cytochrome P450 family 27 subfamily A member 1; plus strand). Cytogenetic location: 2q35.
Variant type: single nucleotide variant.
Coding change: c.735G>T on transcript NM_000784.4 (MANE Select); coding-DNA position 735, G replaced by T.
Protein change: p.Gly245=; no amino-acid change (glycine 245 retained).
Molecular consequence: synonymous variant.
Genome position (GRCh38, 1-based): chr2:218,812,640, G>T. VCF-style: chr2-218812640-G-T. GRCh37 (hg19) VCF-style: chr2-219677363-G-T.
Identifiers: ClinVar variation 732137 (VCV000732137.17), dbSNP rs770631614, ClinGen allele CA2112708.
Genomic context (GRCh38, chr2:218,812,640, plus strand): 5'-CATTGGCTGCCTGCAGCGATCCATCCCCGAGGACACCGTGACCTTCGTCAGATCCATCGG[G>T]TTAATGTTCCAGAACTCACTCTATGCCACCTTCCTCCCCAAGTGGACTCGCCCCGTGCTG-3'
Protein context (NP_000775.1, residues 235-255): EDTVTFVRSI[Gly245=]LMFQNSLYAT

ClinVar aggregate classification (germline): Likely benign. Review status: criteria provided, multiple submitters, no conflicts (2 of 4 stars). 5 submissions from 5 submitters: Likely benign (4). 1 of the submissions does not count toward it. Last evaluated 2026-09-01.

Conditions:
Cardiovascular phenotype. Identifiers: MedGen CN230736.
Cholestanol storage disease (CTX). Also called: CEREBRAL CHOLESTERINOSIS; Cerebrotendinous Xanthomatosis; CTX: Cerebrotendinous xanthomatosis. Identifiers: Orphanet 909, MedGen C0238052, MONDO:0008948, OMIM 213700.

Allele frequency attached by ClinVar (database versions not stated): TOPMed 0.00004; ExAC 0.00007.
gnomAD v4.1: 55 of 1,614,222 alleles (0.0034%); highest among the groups gnomAD compares: Admixed American, 0.012%; no homozygotes.

Submissions (5):

CeGaT Center for Human Genetics Tuebingen
Classification: Likely benign. Last evaluated: 2026-09-01. Review status: criteria provided, single submitter. Criteria: CeGaT Center For Human Genetics Tuebingen Variant Classification Criteria Version 2. Collection method: clinical testing. Allele origin: germline. Affected: yes. Observed: 1 variant allele.
Comment: CYP27A1: BP4, BP7

Labcorp Genetics (formerly Invitae), Labcorp
Classification: Likely benign for Cholestanol storage disease. Last evaluated: 2025-12-13. Review status: criteria provided, single submitter. Criteria: Invitae Variant Classification Sherloc (09022015). Collection method: clinical testing. Allele origin: germline.

Blueprint Genetics
Classification: Likely benign. Last evaluated: 2024-10-11. Review status: criteria provided, single submitter. Criteria: ACMG Guidelines, 2015. Collection method: clinical testing. Allele origin: germline.

Ambry Genetics
Classification: Likely benign for Cardiovascular phenotype. Last evaluated: 2019-12-24. Review status: criteria provided, single submitter. Criteria: Ambry Variant Classification Scheme 2023. Collection method: clinical testing. Allele origin: germline.

Natera, Inc.
Classification: Likely benign for Cerebrotendinous xanthomatosis. Last evaluated: 2020-02-03. Review status: no assertion criteria provided. Collection method: clinical testing. Allele origin: germline. Not counted in ClinVar's aggregate classification.